The following is an entry in ClinVar:

ClinVar aggregate classification (germline): Uncertain significance (1 of 4 stars; one submission).

Conditions:
Hereditary cancer-predisposing syndrome. Also called: Hereditary Cancer Syndrome; Hereditary neoplastic syndrome; Neoplastic Syndromes, Hereditary; Tumor predisposition. Identifiers: Orphanet 140162, MedGen C0027672, MeSH D009386, MONDO:0015356.

gnomAD v4.1: 1 of 1,607,988 alleles (0.000062%); highest among the groups gnomAD compares: Non-Finnish European, 0.000085%; no homozygotes.

Submission:

Ambry Genetics
Classification: Uncertain significance for Hereditary cancer-predisposing syndrome. Last evaluated: 2021-10-21. Review status: criteria provided, single submitter. Criteria: Ambry Variant Classification Scheme 2023. Collection method: clinical testing. Allele origin: germline.
Comment: The p.E488Q variant (also known as c.1462G>C), located in coding exon 14 of the POLE gene, results from a G to C substitution at nucleotide position 1462. The glutamic acid at codon 488 is replaced by glutamine, an amino acid with highly similar properties. This amino acid position is conserved. In addition, the in silico prediction for this alteration is inconclusive. Since supporting evidence is limited at this time, the clinical significance of this alteration remains unclear.

NM_006231.4(POLE):c.1462G>C (p.Glu488Gln)

Gene: POLE (DNA polymerase epsilon, catalytic subunit; minus strand). Cytogenetic location: 12q24.33.
Variant type: single nucleotide variant.
Coding change: c.1462G>C on transcript NM_006231.4 (MANE Select); coding-DNA position 1462, G replaced by C.
Protein change: p.Glu488Gln; replaces glutamic acid 488 with glutamine.
Molecular consequence: missense variant.
Genome position (GRCh38, 1-based): chr12:132,673,175, C>G on the plus strand (G>C on the coding strand, the complement: POLE is on the minus strand). VCF-style: chr12-132673175-C-G. GRCh37 (hg19) VCF-style: chr12-133249761-C-G.
Other names: short protein forms E488Q.
Identifiers: ClinVar variation 1773188 (VCV001773188.2), dbSNP rs375615461, ClinGen allele CA387358094.